The following is an entry in ClinVar:

NM_006389.5(HYOU1):c.2567C>T (p.Thr856Met)

Gene: HYOU1 (hypoxia up-regulated 1; minus strand). Cytogenetic location: 11q23.3.
Variant type: single nucleotide variant.
Coding change: c.2567C>T on transcript NM_006389.5 (MANE Select); coding-DNA position 2567, C replaced by T.
Protein change: p.Thr856Met; replaces threonine 856 with methionine.
Molecular consequence: missense variant.
Genome position (GRCh38, 1-based): chr11:119,047,762, G>A on the plus strand (C>T on the coding strand, the complement: HYOU1 is on the minus strand). VCF-style: chr11-119047762-G-A. GRCh37 (hg19) VCF-style: chr11-118918474-G-A.
Other names: c.2567C>T, p.Thr856Met (NM_001130991.3, NM_001411041.1); short protein forms T856M.
Identifiers: ClinVar variation 1972072 (VCV001972072.5), dbSNP rs782257624, ClinGen allele CA229617886.

ClinVar aggregate classification (germline): Uncertain significance (1 of 4 stars; one submission).

Allele frequency attached by ClinVar (database versions not stated): gnomAD 0.00001; gnomAD exomes 0.00001.
gnomAD v4.1: 10 of 1,613,972 alleles (0.00062%); highest among the groups gnomAD compares: Admixed American, 0.005%; no homozygotes.

Submission:

Labcorp Genetics (formerly Invitae), Labcorp
Classification: Uncertain significance. Last evaluated: 2022-10-14. Review status: criteria provided, single submitter. Criteria: Invitae Variant Classification Sherloc (09022015). Collection method: clinical testing. Allele origin: germline.
Comment: Algorithms developed to predict the effect of missense changes on protein structure and function are either unavailable or do not agree on the potential impact of this missense change (SIFT: "Not Available"; PolyPhen-2: "Benign"; Align-GVGD: "Not Available"). This variant has not been reported in the literature in individuals affected with HYOU1-related conditions. This variant is present in population databases (rs782257624, gnomAD 0.009%). This sequence change replaces threonine, which is neutral and polar, with methionine, which is neutral and non-polar, at codon 856 of the HYOU1 protein (p.Thr856Met). In summary, the available evidence is currently insufficient to determine the role of this variant in disease. Therefore, it has been classified as a Variant of Uncertain Significance.